The following is an entry in ClinVar:

ClinVar aggregate classification (germline): Uncertain significance (1 of 4 stars; one submission).

Submission:

CeGaT Center for Human Genetics Tuebingen
Classification: Uncertain significance. Last evaluated: 2026-06-01. Review status: criteria provided, single submitter. Criteria: CeGaT Center For Human Genetics Tuebingen Variant Classification Criteria Version 2. Collection method: clinical testing. Allele origin: germline. Affected: yes. Observed: 1 variant allele.
Comment: GRIN2D: PM2, PP3

NM_000836.4(GRIN2D):c.487C>A (p.Gln163Lys)

Gene: GRIN2D (glutamate ionotropic receptor NMDA type subunit 2D; plus strand). Cytogenetic location: 19q13.33.
Variant type: single nucleotide variant.
Coding change: c.487C>A on transcript NM_000836.4 (MANE Select); coding-DNA position 487, C replaced by A.
Protein change: p.Gln163Lys; replaces glutamine 163 with lysine.
Molecular consequence: missense variant.
Genome position (GRCh38, 1-based): chr19:48,404,755, C>A. VCF-style: chr19-48404755-C-A. GRCh37 (hg19) VCF-style: chr19-48908012-C-A.
Other names: short protein forms Q163K.
Identifiers: ClinVar variation 4875179 (VCV004875179.2).
Genomic context (GRCh38, chr19:48,404,755, plus strand): 5'-CACATCGGCAGGCCTGACATCCTCCTCCCTCCCTGGCAGGAGAAGGGCTCCACCTTCCTG[C>A]AGCTGGGCTCTTCCACCGAGCAACAGCTTCAGGTCATCTTTGAGGTGCTGGAGGAGTATG-3'
Protein context (NP_000827.2, residues 153-173): TPKEKGSTFL[Gln163Lys]LGSSTEQQLQ